The following is an entry in ClinVar:

NM_000166.6(GJB1):c.248T>C (p.Leu83Pro)

Gene: GJB1 (gap junction protein beta 1; plus strand). Cytogenetic location: Xq13.1.
Variant type: single nucleotide variant.
Coding change: c.248T>C on transcript NM_000166.6 (MANE Select); coding-DNA position 248, T replaced by C.
Protein change: p.Leu83Pro; replaces leucine 83 with proline.
Molecular consequence: missense variant.
Genome position (GRCh38, 1-based): chrX:71,223,955, T>C. VCF-style: chrX-71223955-T-C. GRCh37 (hg19) VCF-style: chrX-70443805-T-C.
Other names: c.248T>C, p.Leu83Pro (NM_001097642.3); short protein forms L83P.
Identifiers: ClinVar variation 637208 (VCV000637208.3), dbSNP rs1602349004, ClinGen allele CA413501654.

ClinVar aggregate classification (germline): Conflicting classifications of pathogenicity. Review status: criteria provided, conflicting classifications (1 of 4 stars). 3 submissions from 3 submitters: Likely pathogenic (1); Uncertain significance (1). 1 of the submissions does not count toward it. Last evaluated 2025-08-02.

Conditions:
Charcot-Marie-Tooth disease. Also called: Charcot-Marie-Tooth Hereditary Neuropathy; Charcot-Marie-Tooth Neuropathy. Identifiers: Orphanet 166, MedGen C0007959, MONDO:0015626.
Charcot-Marie-Tooth Neuropathy X. Identifiers: MedGen CN118851.

Submissions (3):

GeneDx
Classification: Likely pathogenic. Last evaluated: 2025-08-02. Review status: criteria provided, single submitter. Criteria: GeneDx Variant Classification Process June 2021. Collection method: clinical testing. Allele origin: germline. Affected: yes.
Comment: Not observed at significant frequency in large population cohorts (gnomAD); Missense variants in this gene are a common cause of disease and they are underrepresented in the general population; In silico analysis supports that this missense variant has a deleterious effect on protein structure/function; Previously reported in an individual with an inherited peripheral neuropathy (PMID: 10093067); This variant is associated with the following publications: (PMID: 9888385, 10093067)

Labcorp Genetics (formerly Invitae), Labcorp
Classification: Uncertain significance for Charcot-Marie-Tooth Neuropathy X. Last evaluated: 2025-02-26. Review status: criteria provided, single submitter. Criteria: Invitae Variant Classification Sherloc (09022015). Collection method: clinical testing. Allele origin: germline.
Comment: This sequence change replaces leucine, which is neutral and non-polar, with proline, which is neutral and non-polar, at codon 83 of the GJB1 protein (p.Leu83Pro). This variant is not present in population databases (gnomAD no frequency). This missense change has been observed in individual(s) with Charcot-Marie-Tooth disease (PMID: 10093067). ClinVar contains an entry for this variant (Variation ID: 637208). Invitae Evidence Modeling of protein sequence and biophysical properties (such as structural, functional, and spatial information, amino acid conservation, physicochemical variation, residue mobility, and thermodynamic stability) indicates that this missense variant is expected to disrupt GJB1 protein function with a positive predictive value of 95%. This variant disrupts the p.Leu83 amino acid residue in GJB1. Other variant(s) that disrupt this residue have been observed in individuals with GJB1-related conditions (PMID: 23011429; internal data), which suggests that this may be a clinically significant amino acid residue. In summary, the available evidence is currently insufficient to determine the role of this variant in disease. Therefore, it has been classified as a Variant of Uncertain Significance.

Inherited Neuropathy Consortium
Classification: Uncertain significance for Charcot-Marie-Tooth disease. Review status: no assertion criteria provided. Collection method: literature only. Allele origin: germline. Affected: yes. Not counted in ClinVar's aggregate classification.

Literature cited by the submitters: PubMed 10093067 (cited by Labcorp Genetics (formerly Invitae), Labcorp); PubMed 23011429 (cited by Labcorp Genetics (formerly Invitae), Labcorp); PubMed 9888385 (cited by Inherited Neuropathy Consortium).